The following is an entry in ClinVar:

NM_005982.4(SIX1):c.329G>A (p.Arg110Gln)

Gene: SIX1 (SIX homeobox 1; minus strand). Cytogenetic location: 14q23.1.
Variant type: single nucleotide variant.
Coding change: c.329G>A on transcript NM_005982.4 (MANE Select); coding-DNA position 329, G replaced by A.
Protein change: p.Arg110Gln; replaces arginine 110 with glutamine.
Molecular consequence: missense variant.
Genome position (GRCh38, 1-based): chr14:60,648,861, C>T on the plus strand (G>A on the coding strand, the complement: SIX1 is on the minus strand). VCF-style: chr14-60648861-C-T. GRCh37 (hg19) VCF-style: chr14-61115579-C-T.
Other names: short protein forms R110Q.
Identifiers: ClinVar variation 420132 (VCV000420132.8), dbSNP rs1064794308, ClinGen allele CA16619881.
Genomic context (GRCh38, chr14:60,648,861, plus strand): 5'-CAGTAGCTGGTCTCCTCGCCGTCCCAGATGGTGCGCGGCAGTGGAAATTTTCGGCGCACC[C>T]GATATTTGCCCACGGCGCCCAGGGGTCGGCCGCGCAGCTTCTCGGCCTCCACGTAATGCG-3'
Protein context (NP_005973.1, residues 100-120): GRPLGAVGKY[Arg110Gln]VRRKFPLPRT

ClinVar aggregate classification (germline): Pathogenic/Likely pathogenic. Review status: criteria provided, multiple submitters, no conflicts (2 of 4 stars). 4 submissions from 4 submitters: Pathogenic (3); Likely pathogenic (1). Last evaluated 2026-03-19.

Conditions:
SIX1-related disorder. Also called: SIX1-related condition.
Branchiootic syndrome 3 (BOS3). Also called: BO SYNDROME 3. Identifiers: MedGen C1842124, MONDO:0012025, OMIM 608389.

Allele frequency attached by ClinVar (database versions not stated): TOPMed below 0.00001.

Submissions (4):

PreventionGenetics, part of Exact Sciences
Classification: Pathogenic for SIX1-related condition. Last evaluated: 2026-03-19. Review status: criteria provided, single submitter. Criteria: ACMG Guidelines, 2015. Collection method: clinical testing. Allele origin: germline.
Comment: The SIX1 c.329G>A variant is predicted to result in the amino acid substitution p.Arg110Gln. This variant was reported in the heterozygous state in multiple individuals with branchiootic syndrome and segregated with disease in at least two families (Kochhar et al. 2008. PubMed ID: 18330911). An alternative missense variant at this amino acid position (p.Arg110Trp) has been reported as pathogenic (Ruf et al. 2004. PubMed ID: 15141091; Mutai et al. 2013. PubMed ID: 24164807; Calpena et al. 2021. PubMed ID: 33436522). This variant has not been reported in a large population database (gnomAD), indicating this variant is rare. This variant is interpreted as pathogenic.

Duke University Health System Sequencing Clinic, Duke University Health System
Classification: Pathogenic for Branchiootic syndrome 3. Last evaluated: 2023-04-20. Review status: criteria provided, single submitter. Criteria: ACMG Guidelines, 2015. Collection method: research. Allele origin: maternal. Affected: yes.

GeneDx
Classification: Pathogenic. Last evaluated: 2022-08-02. Review status: criteria provided, single submitter. Criteria: GeneDx Variant Classification Process June 2021. Collection method: clinical testing. Allele origin: germline. Affected: yes.
Comment: Published functional studies demonstrate this variant prevents transcription activation by the SIX1 protein (Patrick et al., 2009); Not observed at significant frequency in large population cohorts (gnomAD); In silico analysis supports that this missense variant has a deleterious effect on protein structure/function; This variant is associated with the following publications: (PMID: 23435380, 19497856, 18330911)

Blueprint Genetics
Classification: Likely pathogenic for SIX1-related disorders. Last evaluated: 2021-08-19. Review status: criteria provided, single submitter. Criteria: ACMG Guidelines, 2015. Collection method: clinical testing. Allele origin: germline. Affected: yes. Observed: 1 variant allele.